The following is an entry in ClinVar:

ClinVar aggregate classification (germline): Uncertain significance (1 of 4 stars; one submission).

Conditions:
Ataxia-telangiectasia syndrome (AT). Also called: Cerebello-oculocutaneous telangiectasia; Immunodeficiency with ataxia telangiectasia; Ataxia-telangiectasia, complementation group E; Ataxia-telangiectasia, complementation group D; LOUIS-BAR SYNDROME; AT, COMPLEMENTATION GROUP C. Identifiers: Orphanet 100, MedGen C0004135, MONDO:0008840, OMIM 208900.

Submission:

Labcorp Genetics (formerly Invitae), Labcorp
Classification: Uncertain significance for Ataxia-telangiectasia syndrome. Last evaluated: 2023-07-07. Review status: criteria provided, single submitter. Criteria: Invitae Variant Classification Sherloc (09022015). Collection method: clinical testing. Allele origin: germline.
Comment: This sequence change replaces threonine, which is neutral and polar, with asparagine, which is neutral and polar, at codon 1303 of the ATM protein (p.Thr1303Asn). This variant is not present in population databases (gnomAD no frequency). This variant has not been reported in the literature in individuals affected with ATM-related conditions. An algorithm developed to predict the effect of missense changes on protein structure and function (PolyPhen-2) suggests that this variant is likely to be tolerated. In summary, the available evidence is currently insufficient to determine the role of this variant in disease. Therefore, it has been classified as a Variant of Uncertain Significance.

NM_000051.4(ATM):c.3908C>A (p.Thr1303Asn)

Gene: ATM (ATM serine/threonine kinase; plus strand). Cytogenetic location: 11q22.3.
Variant type: single nucleotide variant.
Coding change: c.3908C>A on transcript NM_000051.4 (MANE Select); coding-DNA position 3908, C replaced by A.
Protein change: p.Thr1303Asn; replaces threonine 1303 with asparagine.
Molecular consequence: missense variant.
Genome position (GRCh38, 1-based): chr11:108,284,388, C>A. VCF-style: chr11-108284388-C-A. GRCh37 (hg19) VCF-style: chr11-108155115-C-A.
Other names: c.3908C>A, p.Thr1303Asn (NM_001351834.2); short protein forms T1303N.
Identifiers: ClinVar variation 2846004 (VCV002846004.3), dbSNP rs2135708145, ClinGen allele CA382525696.